The following is an entry in ClinVar:

NM_005751.5(AKAP9):c.10691T>C (p.Leu3564Ser)

Gene: AKAP9 (A-kinase anchoring protein 9; plus strand). Cytogenetic location: 7q21.2.
Variant type: single nucleotide variant.
Coding change: c.10691T>C on transcript NM_005751.5 (MANE Select); coding-DNA position 10691, T replaced by C.
Protein change: p.Leu3564Ser; replaces leucine 3564 with serine.
Molecular consequence: missense variant.
Genome position (GRCh38, 1-based): chr7:92,098,192, T>C. VCF-style: chr7-92098192-T-C. GRCh37 (hg19) VCF-style: chr7-91727506-T-C.
Other names: c.5336T>C, p.Leu1779Ser (NM_001379277.1); c.10667T>C, p.Leu3556Ser (NM_147185.3); short protein forms L3564S, L3556S, L1779S.
Identifiers: ClinVar variation 572709 (VCV000572709.10), dbSNP rs1563142906, ClinGen allele CA368157720.
Genomic context (GRCh38, chr7:92,098,192, plus strand): 5'-ATGAAGATTTCATTTGGGTTCAGGAAAATATTGATGAAATTATTTTACAACTACAGAAAT[T>C]AACTGGCCAGCAAGGTGAAGAGGTAATACTTTTTAAAAGTTATTTCTGAAGCATTGAGAG-3'
Protein context (NP_005742.4, residues 3554-3574): IDEIILQLQK[Leu3564Ser]TGQQGEEPSL

ClinVar aggregate classification (germline): Uncertain significance. Review status: criteria provided, multiple submitters, no conflicts (2 of 4 stars). 2 submissions from 2 submitters: Uncertain significance (2). Last evaluated 2022-02-11.

Conditions:
Cardiovascular phenotype. Identifiers: MedGen CN230736.
Long QT syndrome (LQTS). Identifiers: MedGen C0023976, MeSH D008133, MONDO:0002442. Disease mechanism: loss of function. Inheritance: Various modes of inheritance.

Allele frequency attached by ClinVar (database versions not stated): gnomAD exomes below 0.00001; TOPMed below 0.00001.
gnomAD v4.1: 1 of 1,609,152 alleles (0.000062%); highest among the groups gnomAD compares: Non-Finnish European, 0.000085%; no homozygotes.

Submissions (2):

Ambry Genetics
Classification: Uncertain significance for Cardiovascular phenotype. Last evaluated: 2022-02-11. Review status: criteria provided, single submitter. Criteria: Ambry Variant Classification Scheme 2023. Collection method: clinical testing. Allele origin: germline.
Comment: The p.L3564S variant (also known as c.10691T>C), located in coding exon 43 of the AKAP9 gene, results from a T to C substitution at nucleotide position 10691. The leucine at codon 3564 is replaced by serine, an amino acid with dissimilar properties. This amino acid position is conserved. In addition, this alteration is predicted to be tolerated by in silico analysis. Since supporting evidence is limited at this time, the clinical significance of this alteration remains unclear.

Labcorp Genetics (formerly Invitae), Labcorp
Classification: Uncertain significance for Long QT syndrome. Last evaluated: 2018-02-15. Review status: criteria provided, single submitter. Criteria: Invitae Variant Classification Sherloc (09022015). Collection method: clinical testing. Allele origin: germline.
Comment: This sequence change replaces leucine with serine at codon 3564 of the AKAP9 protein (p.Leu3564Ser). The leucine residue is moderately conserved and there is a large physicochemical difference between leucine and serine. In summary, the available evidence is currently insufficient to determine the role of this variant in disease. Therefore, it has been classified as a Variant of Uncertain Significance. Algorithms developed to predict the effect of missense changes on protein structure and function do not agree on the potential impact of this missense change (SIFT: "Deleterious"; PolyPhen-2: "Possibly Damaging"; Align-GVGD: "Class C0"). This variant has not been reported in the literature in individuals with AKAP9-related disease. This variant is not present in population databases (ExAC no frequency).